The following is an entry in ClinVar:

ClinVar aggregate classification (germline): Uncertain significance (1 of 4 stars; one submission).

Conditions:
Hereditary nonpolyposis colorectal neoplasms. Identifiers: MedGen C0009405, MeSH D003123.

Submission:

Labcorp Genetics (formerly Invitae), Labcorp
Classification: Uncertain significance for Hereditary nonpolyposis colorectal neoplasms. Last evaluated: 2024-05-21. Review status: criteria provided, single submitter. Criteria: Invitae Variant Classification Sherloc (09022015). Collection method: clinical testing. Allele origin: germline.
Comment: This sequence change replaces aspartic acid, which is acidic and polar, with glutamic acid, which is acidic and polar, at codon 752 of the PMS2 protein (p.Asp752Glu). The frequency data for this variant in the population databases (gnomAD) is considered unreliable due to the presence of homologous sequence, such as pseudogenes or paralogs, in the genome. This variant has not been reported in the literature in individuals affected with PMS2-related conditions. ClinVar contains an entry for this variant (Variation ID: 1434063). Experimental studies and prediction algorithms are not available or were not evaluated, and the functional significance of this variant is currently unknown. In summary, the available evidence is currently insufficient to determine the role of this variant in disease. Therefore, it has been classified as a Variant of Uncertain Significance.

NM_000535.7(PMS2):c.2253_2256delinsCGAA (p.Asp752Glu)

Gene: PMS2 (PMS1 homolog 2, mismatch repair system component; minus strand). Cytogenetic location: 7p22.1.
Variant type: Indel.
Coding change: c.2253_2256delinsCGAA on transcript NM_000535.7 (MANE Select); coding-DNA positions 2253 to 2256, TGAT replaced by CGAA.
Protein change: p.Asp752Glu; replaces aspartic acid 752 with glutamic acid.
Molecular consequence: missense variant. On other transcripts: non-coding transcript variant (1).
Genome position (GRCh38, 1-based): chr7:5,978,615-5,978,618, ATCA replaced by TTCG on the plus strand (TGAT replaced by CGAA on the coding strand, the reverse complement: PMS2 is on the minus strand). VCF-style: chr7-5978615-ATCA-TTCG. GRCh37 (hg19) VCF-style: chr7-6018246-ATCA-TTCG.
Other names: c.1848_1851delinsCGAA, p.Asp617Glu (NM_001322003.2, NM_001322004.2, NM_001322005.2 and 1 more transcripts); c.2097_2100delinsCGAA, p.Asp700Glu (NM_001322006.2); c.1935_1938delinsCGAA, p.Asp646Glu (NM_001322007.2, NM_001322008.2); c.1692_1695delinsCGAA, p.Asp565Glu (NM_001322010.2); c.1320_1323delinsCGAA, p.Asp441Glu (NM_001322011.2, NM_001322012.2); c.1680_1683delinsCGAA, p.Asp561Glu (NM_001322013.2); c.2253_2256delinsCGAA, p.Asp752Glu (NM_001322014.2); c.1944_1947delinsCGAA, p.Asp649Glu (NM_001322015.2); short protein forms D441E, D700E, D617E, D752E, D649E, D561E, D565E, D646E.
Identifiers: ClinVar variation 1434063 (VCV001434063.6), dbSNP rs2128682246, ClinGen allele CA2573141933.